The following is an entry in ClinVar:

ClinVar aggregate classification (germline): Uncertain significance (1 of 4 stars; one submission).

Conditions:
Progressive microcephaly-seizures-cortical blindness-developmental delay syndrome. Also called: Seizures, cortical blindness, and microcephaly syndrome. Identifiers: Orphanet 477814, MedGen C5567650, MONDO:0014714, OMIM 616632.
Autosomal dominant nonsyndromic hearing loss 1. Also called: KONIGSMARK SYNDROME; DEAFNESS, AUTOSOMAL DOMINANT 1, WITH OR WITHOUT THROMBOCYTOPENIA. Identifiers: Orphanet 90635, MedGen C1852282, MONDO:0007424, OMIM 124900.

Submission:

Labcorp Genetics (formerly Invitae), Labcorp
Classification: Uncertain significance for Progressive microcephaly-seizures-cortical blindness-developmental delay syndrome; Autosomal dominant nonsyndromic hearing loss 1. Last evaluated: 2024-02-02. Review status: criteria provided, single submitter. Criteria: Invitae Variant Classification Sherloc (09022015). Collection method: clinical testing. Allele origin: germline.
Comment: This sequence change replaces glutamine, which is neutral and polar, with histidine, which is basic and polar, at codon 85 of the DIAPH1 protein (p.Gln85His). This variant is not present in population databases (gnomAD no frequency). This variant has not been reported in the literature in individuals affected with DIAPH1-related conditions. Algorithms developed to predict the effect of missense changes on protein structure and function output the following: SIFT: "Not Available"; PolyPhen-2: "Not Available"; Align-GVGD: "Not Available". The histidine amino acid residue is found in multiple mammalian species, which suggests that this missense change does not adversely affect protein function. In summary, the available evidence is currently insufficient to determine the role of this variant in disease. Therefore, it has been classified as a Variant of Uncertain Significance.

NM_005219.5(DIAPH1):c.255A>C (p.Gln85His)

Gene: DIAPH1 (diaphanous related formin 1; minus strand). Cytogenetic location: 5q31.3.
Variant type: single nucleotide variant.
Coding change: c.255A>C on transcript NM_005219.5 (MANE Select); coding-DNA position 255, A replaced by C.
Protein change: p.Gln85His; replaces glutamine 85 with histidine.
Molecular consequence: missense variant.
Genome position (GRCh38, 1-based): chr5:141,587,087, T>G on the plus strand (A>C on the coding strand, the complement: DIAPH1 is on the minus strand). VCF-style: chr5-141587087-T-G. GRCh37 (hg19) VCF-style: chr5-140966654-T-G.
Other names: c.228A>C, p.Gln76His (NM_001079812.3); c.255A>C, p.Gln85His (NM_001314007.2); short protein forms Q76H, Q85H.
Identifiers: ClinVar variation 3749187 (VCV003749187.2).